The following is an entry in ClinVar:

NM_004446.3(EPRS1):c.1744A>G (p.Asn582Asp)

Gene: EPRS1 (glutamyl-prolyl-tRNA synthetase 1; minus strand). Cytogenetic location: 1q41.
Variant type: single nucleotide variant.
Coding change: c.1744A>G on transcript NM_004446.3 (MANE Select); coding-DNA position 1744, A replaced by G.
Protein change: p.Asn582Asp; replaces asparagine 582 with aspartic acid.
Molecular consequence: missense variant.
Genome position (GRCh38, 1-based): chr1:220,006,312, T>C on the plus strand (A>G on the coding strand, the complement: EPRS1 is on the minus strand). VCF-style: chr1-220006312-T-C. GRCh37 (hg19) VCF-style: chr1-220179654-T-C.
Other names: c.1744A>G (NM_004446.2); short protein forms N582D.
Identifiers: ClinVar variation 1935765 (VCV001935765.6), dbSNP rs1216751295, ClinGen allele CA344615226.
Genomic context (GRCh38, chr1:220,006,312, plus strand): 5'-TGTAGTCTTTGTTTTCCAAATTCAACTTTGCATCAAGAGATATGATTTTTCCATCTGCAT[T>C]TCTAGATATAAGATTAAAAGTATTCAAAGAAATATTAACCACAGCTGCCATAAATTCATT-3'
Protein context (NP_004437.2, residues 572-592): GNLNITKIHK[Asn582Asp]ADGKIISLDA

ClinVar aggregate classification (germline): Uncertain significance. Review status: criteria provided, multiple submitters, no conflicts (2 of 4 stars). 2 submissions from 2 submitters: Uncertain significance (2). Last evaluated 2025-02-28.

Conditions:
Inborn genetic diseases. Identifiers: MedGen C0950123, MeSH D030342.

Allele frequency attached by ClinVar (database versions not stated): gnomAD exomes below 0.00001; TOPMed below 0.00001.
gnomAD v4.1: 6 of 1,514,954 alleles (0.0004%); highest among the groups gnomAD compares: East Asian, 0.014%; no homozygotes.

Submissions (2):

Ambry Genetics
Classification: Uncertain significance for Inborn genetic diseases. Last evaluated: 2025-02-28. Review status: criteria provided, single submitter. Criteria: Ambry Variant Classification Scheme 2023. Collection method: clinical testing. Allele origin: germline.

Labcorp Genetics (formerly Invitae), Labcorp
Classification: Uncertain significance. Last evaluated: 2022-03-19. Review status: criteria provided, single submitter. Criteria: Invitae Variant Classification Sherloc (09022015). Collection method: clinical testing. Allele origin: germline.
Comment: Algorithms developed to predict the effect of sequence changes on RNA splicing suggest that this variant may create or strengthen a splice site. In summary, the available evidence is currently insufficient to determine the role of this variant in disease. Therefore, it has been classified as a Variant of Uncertain Significance. Algorithms developed to predict the effect of missense changes on protein structure and function (SIFT, PolyPhen-2, Align-GVGD) all suggest that this variant is likely to be tolerated. This variant has not been reported in the literature in individuals affected with EPRS-related conditions. This variant is not present in population databases (gnomAD no frequency). This sequence change replaces asparagine, which is neutral and polar, with aspartic acid, which is acidic and polar, at codon 582 of the EPRS protein (p.Asn582Asp).